The following is an entry in ClinVar:

ClinVar aggregate classification (germline): Benign/Likely benign. Review status: criteria provided, multiple submitters, no conflicts (2 of 4 stars). 2 submissions from 2 submitters: Benign (1); Likely benign (1). Last evaluated 2024-10-08.

Conditions:
Familial cancer of breast. Also called: hereditary breast carcinoma; Hereditary breast cancer; BREAST CANCER, FAMILIAL. Identifiers: Orphanet 227535, MedGen C0346153, MONDO:0016419, OMIM 114480. Disease mechanism: loss of function.

Submissions (2):

Myriad Genetics, Inc.
Classification: Benign for Familial cancer of breast. Last evaluated: 2024-10-08. Review status: criteria provided, single submitter. Criteria: Myriad Autosomal Dominant, Autosomal Recessive and X-Linked Classification Criteria (2023). Collection method: clinical testing. Allele origin: unknown.
Comment: This variant is considered benign. This variant is a silent/synonymous amino acid change and it is not expected to impact splicing.

Labcorp Genetics (formerly Invitae), Labcorp
Classification: Likely benign for Familial cancer of breast. Last evaluated: 2024-04-10. Review status: criteria provided, single submitter. Criteria: Invitae Variant Classification Sherloc (09022015). Collection method: clinical testing. Allele origin: germline.

NM_007194.4(CHEK2):c.1308G>A (p.Leu436=)

Gene: CHEK2 (checkpoint kinase 2; minus strand). Cytogenetic location: 22q12.1.
Variant type: single nucleotide variant.
Coding change: c.1308G>A on transcript NM_007194.4 (MANE Select); coding-DNA position 1308, G replaced by A.
Protein change: p.Leu436=; no amino-acid change (leucine 436 retained).
Molecular consequence: synonymous variant.
Genome position (GRCh38, 1-based): chr22:28,695,194, C>T on the plus strand (G>A on the coding strand, the complement: CHEK2 is on the minus strand). VCF-style: chr22-28695194-C-T. GRCh37 (hg19) VCF-style: chr22-29091182-C-T.
Other names: c.1437G>A, p.Leu479= (NM_001005735.3); c.645G>A, p.Leu215= (NM_001257387.3); c.1107G>A, p.Leu369= (NM_001349956.3); c.1221G>A, p.Leu407= (NM_145862.3).
Identifiers: ClinVar variation 1132233 (VCV001132233.11), dbSNP rs2145794670, ClinGen allele CA513944822.